The following is an entry in ClinVar:

ClinVar aggregate classification (germline): Uncertain significance (1 of 4 stars; one submission).

Conditions:
Congenital myopathy 4B, autosomal recessive. Also called: Nemaline myopathy 1, autosomal dominant or recessive. Identifiers: Orphanet 171433, Orphanet 171439, Orphanet 171881, MedGen C5829889, MONDO:0012239, OMIM 609284.
Congenital myopathy with fiber type disproportion. Also called: Congenital fiber-type disproportion myopathy; Congenital fiber-type disproportion. Identifiers: Orphanet 2020, MedGen C0546264, MONDO:0009711. Inheritance: all.

Submission:

Labcorp Genetics (formerly Invitae), Labcorp
Classification: Uncertain significance for Congenital myopathy with fiber type disproportion; Congenital myopathy 4B, autosomal recessive. Last evaluated: 2024-07-16. Review status: criteria provided, single submitter. Criteria: Invitae Variant Classification Sherloc (09022015). Collection method: clinical testing. Allele origin: germline.
Comment: This sequence change replaces alanine, which is neutral and non-polar, with valine, which is neutral and non-polar, at codon 28 of the TPM3 protein (p.Ala28Val). This variant is not present in population databases (gnomAD no frequency). This variant has not been reported in the literature in individuals affected with TPM3-related conditions. Advanced modeling of protein sequence and biophysical properties (such as structural, functional, and spatial information, amino acid conservation, physicochemical variation, residue mobility, and thermodynamic stability) performed at Invitae indicates that this missense variant is not expected to disrupt TPM3 protein function with a negative predictive value of 95%. In summary, the available evidence is currently insufficient to determine the role of this variant in disease. Therefore, it has been classified as a Variant of Uncertain Significance.

NM_152263.4(TPM3):c.83C>T (p.Ala28Val)

Gene: TPM3 (tropomyosin 3; minus strand). Cytogenetic location: 1q21.3.
Variant type: single nucleotide variant.
Coding change: c.83C>T on transcript NM_152263.4 (MANE Select); coding-DNA position 83, C replaced by T.
Protein change: p.Ala28Val; replaces alanine 28 with valine.
Molecular consequence: missense variant. On other transcripts: non-coding transcript variant (1).
Genome position (GRCh38, 1-based): chr1:154,191,936, G>A on the plus strand (C>T on the coding strand, the complement: TPM3 is on the minus strand). VCF-style: chr1-154191936-G-A. GRCh37 (hg19) VCF-style: chr1-154164412-G-A.
Other names: c.83C>T, p.Ala28Val (NM_001364679.2, NM_001364680.2, NM_001364681.2 and 1 more transcripts); short protein forms A28V.
Identifiers: ClinVar variation 3753573 (VCV003753573.2).